The following is an entry in ClinVar:

NM_022552.5(DNMT3A):c.2183G>A (p.Gly728Asp)

Gene: DNMT3A (DNA methyltransferase 3 alpha; minus strand). Cytogenetic location: 2p23.3.
Variant type: single nucleotide variant.
Coding change: c.2183G>A on transcript NM_022552.5 (MANE Select); coding-DNA position 2183, G replaced by A.
Protein change: p.Gly728Asp; replaces glycine 728 with aspartic acid.
Molecular consequence: missense variant. On other transcripts: non-coding transcript variant (1).
Genome position (GRCh38, 1-based): chr2:25,240,441, C>T on the plus strand (G>A on the coding strand, the complement: DNMT3A is on the minus strand). VCF-style: chr2-25240441-C-T. GRCh37 (hg19) VCF-style: chr2-25463310-C-T.
Other names: c.1727G>A, p.Gly576Asp (NM_001320893.1); c.1514G>A, p.Gly505Asp (NM_001375819.1); c.1616G>A, p.Gly539Asp (NM_153759.3); c.2183G>A, p.Gly728Asp (NM_175629.2); short protein forms G539D, G576D, G505D, G728D.
Identifiers: ClinVar variation 4243588 (VCV004243588.2).

ClinVar aggregate classification (germline): Uncertain significance. Review status: criteria provided, multiple submitters, no conflicts (2 of 4 stars). 2 submissions from 2 submitters: Uncertain significance (2). Last evaluated 2025-10-30.

Conditions:
DNMT3A-related disorder. Also called: DNMT3A-related disorders; DNMT3A-related condition.
Inborn genetic diseases. Identifiers: MedGen C0950123, MeSH D030342.

gnomAD v4.1: 2 of 1,607,792 alleles (0.00012%); highest among the groups gnomAD compares: Non-Finnish European, 0.00017%; no homozygotes.

Submissions (2):

PreventionGenetics, part of Exact Sciences
Classification: Uncertain significance for DNMT3A-related condition. Last evaluated: 2025-10-30. Review status: criteria provided, single submitter. Criteria: ACMG Guidelines, 2015. Collection method: clinical testing. Allele origin: germline.
Comment: The DNMT3A c.2183G>A variant is predicted to result in the amino acid substitution p.Gly728Asp. To our knowledge, this variant has not been reported in the literature or in a large population database (gnomAD), indicating this variant is rare. At this time, the clinical significance of this variant is uncertain due to the absence of conclusive functional and genetic evidence.

Ambry Genetics
Classification: Uncertain significance for Inborn genetic diseases. Last evaluated: 2025-06-28. Review status: criteria provided, single submitter. Criteria: Ambry Variant Classification Scheme 2023. Collection method: clinical testing. Allele origin: germline.
Comment: The p.G728D variant (also known as c.2183G>A), located in coding exon 18 of the DNMT3A gene, results from a G to A substitution at nucleotide position 2183. The glycine at codon 728 is replaced by aspartic acid, an amino acid with similar properties. This amino acid position is conserved. In addition, this alteration is predicted to be deleterious by in silico analysis. Based on the available evidence, the clinical significance of this variant remains unclear.